The following is an entry in ClinVar:

NM_001271938.2(MEGF8):c.1328A>C (p.Gln443Pro)

Gene: MEGF8 (multiple EGF like domains 8; plus strand). Cytogenetic location: 19q13.2.
Variant type: single nucleotide variant.
Coding change: c.1328A>C on transcript NM_001271938.2 (MANE Select); coding-DNA position 1328, A replaced by C.
Protein change: p.Gln443Pro; replaces glutamine 443 with proline.
Molecular consequence: missense variant.
Genome position (GRCh38, 1-based): chr19:42,336,890, A>C. VCF-style: chr19-42336890-A-C. GRCh37 (hg19) VCF-style: chr19-42841042-A-C.
Other names: c.1328A>C, p.Gln443Pro (NM_001410.3); short protein forms Q443P.
Identifiers: ClinVar variation 3394828 (VCV003394828.2).

ClinVar aggregate classification (germline): Uncertain significance. Review status: criteria provided, multiple submitters, no conflicts (2 of 4 stars). 2 submissions from 2 submitters: Uncertain significance (2). Last evaluated 2024-12-02.

Conditions:
Inborn genetic diseases. Identifiers: MedGen C0950123, MeSH D030342.

gnomAD v4.1: 73 of 1,613,358 alleles (0.0045%); highest among the groups gnomAD compares: African/African-American, 0.085%; no homozygotes.

Submissions (2):

Women's Health and Genetics/Laboratory Corporation of America, LabCorp
Classification: Uncertain significance. Last evaluated: 2024-12-02. Review status: criteria provided, single submitter. Criteria: LabCorp Variant Classification Summary - May 2015. Collection method: clinical testing. Allele origin: germline.
Comment: Variant summary: MEGF8 c.1328A>C (p.Gln443Pro) results in a non-conservative amino acid change located in the CUB domain of the encoded protein sequence. Four of five in-silico tools predict a benign effect of the variant on protein function. The variant allele was found at a frequency of 7.6e-05 in 250382 control chromosomes. This frequency is not significantly higher than estimated for a pathogenic variant in MEGF8 causing Carpenter Syndrome - Type 2 (7.6e-05 vs 0.0011), allowing no conclusion about variant significance. To our knowledge, no occurrence of c.1328A>C in individuals affected with Carpenter Syndrome - Type 2 and no experimental evidence demonstrating its impact on protein function have been reported. No submitters have cited clinical-significance assessments for this variant to ClinVar. Based on the evidence outlined above, the variant was classified as uncertain significance.

Ambry Genetics
Classification: Uncertain significance for Inborn genetic diseases. Last evaluated: 2024-11-14. Review status: criteria provided, single submitter. Criteria: Ambry Variant Classification Scheme 2023. Collection method: clinical testing. Allele origin: germline.